The following is an entry in ClinVar:

ClinVar aggregate classification (germline): Uncertain significance. Review status: criteria provided, multiple submitters, no conflicts (2 of 4 stars). 4 submissions from 4 submitters: Uncertain significance (4). Last evaluated 2025-05-07.

Conditions:
Inborn genetic diseases. Identifiers: MedGen C0950123, MeSH D030342.
Focal segmental glomerulosclerosis 6 (FSGS6). Identifiers: Orphanet 656, MedGen C3279905, MONDO:0013589, OMIM 614131.

Allele frequency attached by ClinVar (database versions not stated): gnomAD 0.00001 and 0.00002; gnomAD exomes 0.00002 and 0.00009; TOPMed 0.00003; ExAC 0.00007; ESP Exome Variant Server 0.00008; 1000 Genomes Project 30x 0.00016; 1000 Genomes Project 0.00020.

Submissions (4):

Ambry Genetics
Classification: Uncertain significance for Inborn genetic diseases. Last evaluated: 2025-05-07. Review status: criteria provided, single submitter. Criteria: Ambry Variant Classification Scheme 2023. Collection method: clinical testing. Allele origin: germline.

Women's Health and Genetics/Laboratory Corporation of America, LabCorp
Classification: Uncertain significance. Last evaluated: 2024-05-01. Review status: criteria provided, single submitter. Criteria: LabCorp Variant Classification Summary - May 2015. Collection method: clinical testing. Allele origin: germline.
Comment: Variant summary: MYO1E c.775C>G (p.Leu259Val) results in a conservative amino acid change located in the Myosin head, motor domain (IPR001609) of the encoded protein sequence. Four of five in-silico tools predict a benign effect of the variant on protein function. The variant allele was found at a frequency of 9.1e-05 in 251402 control chromosomes (gnomAD). To our knowledge, no occurrence of c.775C>G in individuals affected with Focal Segmental Glomerulosclerosis 6 and no experimental evidence demonstrating its impact on protein function have been reported. ClinVar contains an entry for this variant (Variation ID: 1351243). Based on the evidence outlined above, the variant was classified as uncertain significance.

Fulgent Genetics
Classification: Uncertain significance for Focal segmental glomerulosclerosis 6. Last evaluated: 2024-03-08. Review status: criteria provided, single submitter. Criteria: ACMG Guidelines, 2015. Collection method: clinical testing. Allele origin: germline.

Labcorp Genetics (formerly Invitae), Labcorp
Classification: Uncertain significance. Last evaluated: 2021-01-18. Review status: criteria provided, single submitter. Criteria: Invitae Variant Classification Sherloc (09022015). Collection method: clinical testing. Allele origin: germline.
Comment: This variant is present in population databases (rs371962717, ExAC 0.05%). This variant has not been reported in the literature in individuals with MYO1E-related conditions. Algorithms developed to predict the effect of missense changes on protein structure and function are either unavailable or do not agree on the potential impact of this missense change (SIFT: "Deleterious"; PolyPhen-2: "Benign"; Align-GVGD: "Class C0"). In summary, the available evidence is currently insufficient to determine the role of this variant in disease. Therefore, it has been classified as a Variant of Uncertain Significance. This sequence change replaces leucine with valine at codon 259 of the MYO1E protein (p.Leu259Val). The leucine residue is highly conserved and there is a small physicochemical difference between leucine and valine.

NM_004998.4(MYO1E):c.775C>G (p.Leu259Val)

Gene: MYO1E (myosin IE; minus strand). Cytogenetic location: 15q22.2.
Variant type: single nucleotide variant.
Coding change: c.775C>G on transcript NM_004998.4 (MANE Select); coding-DNA position 775, C replaced by G.
Protein change: p.Leu259Val; replaces leucine 259 with valine.
Molecular consequence: missense variant.
Genome position (GRCh38, 1-based): chr15:59,224,691, G>C on the plus strand (C>G on the coding strand, the complement: MYO1E is on the minus strand). VCF-style: chr15-59224691-G-C. GRCh37 (hg19) VCF-style: chr15-59516890-G-C.
Other names: c.775C>G (NM_004998.2); short protein forms L259V.
Identifiers: ClinVar variation 1351243 (VCV001351243.12), dbSNP rs371962717, ClinGen allele CA7590219.
Genomic context (GRCh38, chr15:59,224,691, plus strand): 5'-CCACAGGAAATGGCCAGTTGGGAGAGCAGATCCTGCCTGGCCCTGCGCCAGCACTTACCA[G>C]AGTTTCCTGAAACTCCCGCCTGTCGTCAATGTCATCAACCTTGTATGAGCCCGAGAGGCT-3'
Protein context (NP_004989.2, residues 249-269): IDDRREFQET[Leu259Val]HAMNVIGIFA